The following is an entry in ClinVar:

ClinVar aggregate classification (germline): Uncertain significance (1 of 4 stars; one submission).

Conditions:
Bethlem myopathy 1A. Also called: MYOPATHY, BENIGN CONGENITAL, WITH CONTRACTURES; Bethlem myopathy 1; Bethlem Muscular Dystrophy. Identifiers: Orphanet 610, MedGen CN029274, MONDO:0024530, OMIM 158810.

Allele frequency attached by ClinVar (database versions not stated): ExAC 0.00001.
gnomAD v4.1: 2 of 1,614,066 alleles (0.00012%); highest among the groups gnomAD compares: South Asian, 0.0022%; no homozygotes.

Submission:

Labcorp Genetics (formerly Invitae), Labcorp
Classification: Uncertain significance for Bethlem myopathy 1A. Last evaluated: 2023-06-30. Review status: criteria provided, single submitter. Criteria: Invitae Variant Classification Sherloc (09022015). Collection method: clinical testing. Allele origin: germline.
Comment: Advanced modeling of protein sequence and biophysical properties (such as structural, functional, and spatial information, amino acid conservation, physicochemical variation, residue mobility, and thermodynamic stability) performed at Invitae indicates that this missense variant is not expected to disrupt COL6A3 protein function. In summary, the available evidence is currently insufficient to determine the role of this variant in disease. Therefore, it has been classified as a Variant of Uncertain Significance. This sequence change replaces threonine, which is neutral and polar, with isoleucine, which is neutral and non-polar, at codon 1105 of the COL6A3 protein (p.Thr1105Ile). This variant is present in population databases (rs751456189, gnomAD 0.003%). This variant has not been reported in the literature in individuals affected with COL6A3-related conditions.

NM_004369.4(COL6A3):c.3314C>T (p.Thr1105Ile)

Gene: COL6A3 (collagen type VI alpha 3 chain; minus strand). Cytogenetic location: 2q37.3.
Variant type: single nucleotide variant.
Coding change: c.3314C>T on transcript NM_004369.4 (MANE Select); coding-DNA position 3314, C replaced by T.
Protein change: p.Thr1105Ile; replaces threonine 1105 with isoleucine.
Molecular consequence: missense variant.
Genome position (GRCh38, 1-based): chr2:237,374,777, G>A on the plus strand (C>T on the coding strand, the complement: COL6A3 is on the minus strand). VCF-style: chr2-237374777-G-A. GRCh37 (hg19) VCF-style: chr2-238283420-G-A.
Other names: c.2093C>T, p.Thr698Ile (NM_057164.5); c.2696C>T, p.Thr899Ile (NM_057165.5, NM_057167.4); c.1493C>T, p.Thr498Ile (NM_057166.5); short protein forms T498I, T698I, T1105I, T899I.
Identifiers: ClinVar variation 2896176 (VCV002896176.3), dbSNP rs751456189, ClinGen allele CA2189189.